The following is an entry in ClinVar:

ClinVar aggregate classification (germline): Pathogenic (1 of 4 stars; one submission).

Submission:

Labcorp Genetics (formerly Invitae), Labcorp
Classification: Pathogenic. Last evaluated: 2025-06-12. Review status: criteria provided, single submitter. Criteria: Invitae Variant Classification Sherloc (09022015). Collection method: clinical testing. Allele origin: germline.
Comment: This sequence change creates a premature translational stop signal (p.Lys400Argfs*18) in the CYP24A1 gene. It is expected to result in an absent or disrupted protein product. Loss-of-function variants in CYP24A1 are known to be pathogenic (PMID: 21675912). This variant is not present in population databases (gnomAD no frequency). This variant has not been reported in the literature in individuals affected with CYP24A1-related conditions. ClinVar contains an entry for this variant (Variation ID: 3708845). For these reasons, this variant has been classified as Pathogenic.

Literature cited by the submitters: PubMed 21675912.

NM_000782.5(CYP24A1):c.1199del (p.Lys400fs)

Gene: CYP24A1 (cytochrome P450 family 24 subfamily A member 1; minus strand). Cytogenetic location: 20q13.2.
Variant type: Deletion.
Coding change: c.1199del on transcript NM_000782.5 (MANE Select); coding-DNA position 1199, one base deleted (A; older notation c.1199delA).
Protein change: p.Lys400fs; shifts the reading frame from lysine 400.
Molecular consequence: frameshift variant.
Genome position (GRCh38, 1-based): chr20:54,158,123, T deleted on the plus strand (A on the coding strand, the reverse complement: CYP24A1 is on the minus strand); the first of 2 consecutive T bases (chr20:54,158,123-54,158,124); deleting either gives the same sequence. VCF-style (leftmost placement, unchanged base first): chr20-54158122-CT-C. GRCh37 (hg19) VCF-style: chr20-52774661-CT-C.
Other names: c.1199del, p.Lys400fs (NM_001128915.2, NM_001424340.1, NM_001424341.1 and 2 more transcripts); short protein forms K400fs.
Identifiers: ClinVar variation 3708845 (VCV003708845.2).